The following is an entry in ClinVar:

ClinVar aggregate classification (germline): Pathogenic (1 of 4 stars; one submission).

Conditions:
Pyridoxine-dependent epilepsy (EPEO4). Also called: Pyridoxine-Dependent Seizures; PYRIDOXINE DEPENDENCY WITH SEIZURES; EPILEPSY, EARLY-ONSET, 4, VITAMIN B6-DEPENDENT; Pyridoxine-Dependent Epilepsy - ALDH7A1. Identifiers: Orphanet 3006, MedGen C1849508, MONDO:0009945, OMIM 266100. Disease mechanism: loss of function.

Submission:

Labcorp Genetics (formerly Invitae), Labcorp
Classification: Pathogenic for Pyridoxine-dependent epilepsy. Last evaluated: 2023-08-03. Review status: criteria provided, single submitter. Criteria: Invitae Variant Classification Sherloc (09022015). Collection method: clinical testing. Allele origin: germline.
Comment: This premature translational stop signal has been observed in individual(s) with clinical features of pyridoxine-dependent epilepsy (PMID: 20554659). For these reasons, this variant has been classified as Pathogenic. Algorithms developed to predict the effect of sequence changes on RNA splicing suggest that this variant may disrupt the consensus splice site. This variant is also known as Gln253 frameshift. This variant is not present in population databases (gnomAD no frequency). This sequence change creates a premature translational stop signal (p.Gln281Argfs*4) in the ALDH7A1 gene. It is expected to result in an absent or disrupted protein product. Loss-of-function variants in ALDH7A1 are known to be pathogenic (PMID: 16491085, 20554659).

Literature cited by the submitters: PubMed 20554659; PubMed 16491085.

NM_001182.5(ALDH7A1):c.841del (p.Gln281fs)

Gene: ALDH7A1 (aldehyde dehydrogenase 7 family member A1; minus strand). Cytogenetic location: 5q23.2.
Variant type: Deletion.
Coding change: c.841del on transcript NM_001182.5 (MANE Select); coding-DNA position 841, one base deleted (C; older notation c.841delC).
Protein change: p.Gln281fs; shifts the reading frame from glutamine 281.
Molecular consequence: frameshift variant.
Genome position (GRCh38, 1-based): chr5:126,568,289, G deleted on the plus strand (C on the coding strand, the reverse complement: ALDH7A1 is on the minus strand). VCF-style (leftmost placement, unchanged base first): chr5-126568288-TG-T. GRCh37 (hg19) VCF-style: chr5-125903980-TG-T.
Other names: c.757del, p.Gln253fs (NM_001201377.2); c.841del, p.Gln281fs (NM_001202404.2); short protein forms Q253fs, Q281fs.
Identifiers: ClinVar variation 2749873 (VCV002749873.3), dbSNP rs2480298560, ClinGen allele CA2697546196.